The following is an entry in ClinVar:

NM_000548.5(TSC2):c.3304G>A (p.Val1102Met)

Gene: TSC2 (TSC complex subunit 2; plus strand). Cytogenetic location: 16p13.3.
Variant type: single nucleotide variant.
Coding change: c.3304G>A on transcript NM_000548.5 (MANE Select); coding-DNA position 3304, G replaced by A.
Protein change: p.Val1102Met; replaces valine 1102 with methionine.
Molecular consequence: missense variant.
Genome position (GRCh38, 1-based): chr16:2,079,576, G>A. VCF-style: chr16-2079576-G-A. GRCh37 (hg19) VCF-style: chr16-2129577-G-A.
Other names: c.3172G>A, p.Val1058Met (NM_001077183.3, NM_001370404.1); c.3304G>A, p.Val1102Met (NM_001114382.3); c.3064G>A, p.Val1022Met (NM_001318827.2); c.3028G>A, p.Val1010Met (NM_001318829.2); c.2572G>A, p.Val858Met (NM_001318831.2); c.3205G>A, p.Val1069Met (NM_001318832.2); c.3175G>A, p.Val1059Met (NM_001363528.2, NM_001370405.1, NM_021055.3); short protein forms V1102M, V1010M, V1059M, V858M, V1022M, V1058M, V1069M.
Identifiers: ClinVar variation 535906 (VCV000535906.22), dbSNP rs775584262, ClinGen allele CA045672.

ClinVar aggregate classification (germline): Conflicting classifications of pathogenicity. Review status: criteria provided, conflicting classifications (1 of 4 stars). 8 submissions from 8 submitters: Uncertain significance (6); Benign (1); Likely benign (1). Last evaluated 2025-12-18.

Conditions:
Hereditary cancer-predisposing syndrome. Also called: Neoplastic Syndromes, Hereditary; Tumor predisposition; Hereditary Cancer Syndrome; Hereditary neoplastic syndrome. Identifiers: Orphanet 140162, MedGen C0027672, MeSH D009386, MONDO:0015356.
Tuberous sclerosis syndrome (TSC). Also called: Tuberous Sclerosis Complex; Tuberous sclerosis. Identifiers: Orphanet 805, MedGen C0041341, MONDO:0001734.
Isolated focal cortical dysplasia type II (FCORD2). Also called: Focal cortical dysplasia type II; CORTICAL DYSPLASIA OF TAYLOR. Identifiers: Orphanet 268994, MedGen C1846385, MONDO:0011818, OMIM 607341, HP:0032051.
Tuberous sclerosis 2 (TSC2). Identifiers: Orphanet 805, MedGen C1860707, MONDO:0013199, OMIM 613254.
Lymphangiomyomatosis (LAM). Also called: Lymphangioleiomyomatosis; Lymphangioleiomyomatosis, somatic. Identifiers: Orphanet 538, MedGen C0751674, MONDO:0011705, OMIM 606690.

Allele frequency attached by ClinVar (database versions not stated): gnomAD exomes below 0.00001; TOPMed below 0.00001; ExAC 0.00001.
gnomAD v4.1: 3 of 1,611,508 alleles (0.00019%); highest among the groups gnomAD compares: Non-Finnish European, 0.00025%; no homozygotes.

Submissions (8):

Labcorp Genetics (formerly Invitae), Labcorp
Classification: Benign for Tuberous sclerosis 2. Last evaluated: 2025-12-18. Review status: criteria provided, single submitter. Criteria: Invitae Variant Classification Sherloc (09022015). Collection method: clinical testing. Allele origin: germline.

Fulgent Genetics
Classification: Uncertain significance for Lymphangiomyomatosis; Isolated focal cortical dysplasia type II; Tuberous sclerosis 2. Last evaluated: 2024-05-17. Review status: criteria provided, single submitter. Criteria: ACMG Guidelines, 2015. Collection method: clinical testing. Allele origin: germline.

Color Diagnostics, LLC DBA Color Health
Classification: Uncertain significance for Tuberous sclerosis syndrome. Last evaluated: 2024-03-31. Review status: criteria provided, single submitter. Criteria: ACMG Guidelines, 2015. Collection method: clinical testing. Allele origin: germline.
Comment: This missense variant replaces valine with methionine at codon 1102 of the TSC2 protein. Computational prediction suggests that this variant may not impact protein structure and function (internally defined REVEL score threshold <= 0.5, PMID: 27666373). To our knowledge, functional studies have not been reported for this variant. This variant has not been reported in individuals affected with TSC2-related disorders in the literature. This variant has been identified in 1/244498 chromosomes in the general population by the Genome Aggregation Database (gnomAD). The available evidence is insufficient to determine the role of this variant in disease conclusively. Therefore, this variant is classified as a Variant of Uncertain Significance.

All of Us Research Program, National Institutes of Health
Classification: Uncertain significance for Tuberous sclerosis syndrome. Last evaluated: 2024-03-08. Review status: criteria provided, single submitter. Criteria: ACMG Guidelines, 2015. Collection method: clinical testing. Allele origin: germline. Inheritance: Autosomal dominant inheritance. Observed: 2 variant alleles, 2 heterozygotes.
Comment: This study involves interpretation of variants in research participants for the purpose of population health screening. Participant phenotype was not available at the time of variant classification. Additional details can be found in publication PMID: 35346344, PMCID: PMC8962531

Baylor Genetics
Classification: Uncertain significance for Isolated focal cortical dysplasia type II. Last evaluated: 2023-05-26. Review status: criteria provided, single submitter. Criteria: ACMG Guidelines, 2015. Collection method: clinical testing. Allele origin: unknown.

Ambry Genetics
Classification: Likely benign for Hereditary cancer-predisposing syndrome. Last evaluated: 2023-04-27. Review status: criteria provided, single submitter. Criteria: Ambry Variant Classification Scheme 2023. Collection method: clinical testing. Allele origin: germline.

Genome-Nilou Lab
Classification: Uncertain significance for Tuberous sclerosis 2. Last evaluated: 2021-11-07. Review status: criteria provided, single submitter. Criteria: ACMG Guidelines, 2015. Collection method: clinical testing. Allele origin: germline. Affected: no.

GeneDx
Classification: Uncertain significance. Last evaluated: 2019-12-30. Review status: criteria provided, single submitter. Criteria: GeneDx Variant Classification Process June 2021. Collection method: clinical testing. Allele origin: germline. Affected: yes.
Comment: In silico analysis, which includes protein predictors and evolutionary conservation, supports that this variant does not alter protein structure/function; Has not been previously published as pathogenic or benign to our knowledge